The following is an entry in ClinVar:

NM_000548.5(TSC2):c.579G>A (p.Glu193=)

Gene: TSC2 (TSC complex subunit 2; plus strand). Cytogenetic location: 16p13.3.
Variant type: single nucleotide variant.
Coding change: c.579G>A on transcript NM_000548.5 (MANE Select); coding-DNA position 579, G replaced by A.
Protein change: p.Glu193=; no amino-acid change (glutamic acid 193 retained).
Molecular consequence: synonymous variant. On other transcripts: intron variant (1).
Genome position (GRCh38, 1-based): chr16:2,055,499, G>A. VCF-style: chr16-2055499-G-A. GRCh37 (hg19) VCF-style: chr16-2105500-G-A.
Other names: c.579G>A, p.Glu193= (NM_001077183.3, NM_001114382.3, NM_001363528.2 and 3 more transcripts); c.468G>A, p.Glu156= (NM_001318827.2); c.432G>A, p.Glu144= (NM_001318829.2); c.612G>A, p.Glu204= (NM_001318832.2); c.-1-697G>A (NM_001318831.2).
Identifiers: ClinVar variation 751868 (VCV000751868.14), dbSNP rs1192379518, ClinGen allele CA492955884.

ClinVar aggregate classification (germline): Benign/Likely benign. Review status: criteria provided, multiple submitters, no conflicts (2 of 4 stars). 5 submissions from 5 submitters: Benign (1); Likely benign (4). Last evaluated 2025-07-23.

Conditions:
Tuberous sclerosis syndrome (TSC). Also called: Tuberous sclerosis; Tuberous Sclerosis Complex. Identifiers: Orphanet 805, MedGen C0041341, MONDO:0001734.
Tuberous sclerosis 2 (TSC2). Identifiers: Orphanet 805, MedGen C1860707, MONDO:0013199, OMIM 613254.
Hereditary cancer-predisposing syndrome. Also called: Tumor predisposition; Hereditary Cancer Syndrome; Neoplastic Syndromes, Hereditary; Hereditary neoplastic syndrome. Identifiers: Orphanet 140162, MedGen C0027672, MeSH D009386, MONDO:0015356.

Allele frequency attached by ClinVar (database versions not stated): gnomAD exomes below 0.00001; gnomAD 0.00001; TOPMed 0.00001.
gnomAD v4.1: 2 of 1,614,028 alleles (0.00012%); highest among the groups gnomAD compares: African/African-American, 0.0027%; no homozygotes.

Submissions (5):

Labcorp Genetics (formerly Invitae), Labcorp
Classification: Likely benign for Tuberous sclerosis 2. Last evaluated: 2025-07-23. Review status: criteria provided, single submitter. Criteria: Invitae Variant Classification Sherloc (09022015). Collection method: clinical testing. Allele origin: germline.

Myriad Genetics, Inc.
Classification: Benign for Tuberous sclerosis 2. Last evaluated: 2025-05-07. Review status: criteria provided, single submitter. Criteria: Myriad Autosomal Dominant, Autosomal Recessive and X-Linked Classification Criteria (2023). Collection method: clinical testing. Allele origin: unknown.
Comment: This variant is considered benign. This variant is a silent/synonymous amino acid change and it is not expected to impact splicing.

All of Us Research Program, National Institutes of Health
Classification: Likely benign for Tuberous sclerosis syndrome. Last evaluated: 2024-05-30. Review status: criteria provided, single submitter. Criteria: ACMG Guidelines, 2015. Collection method: clinical testing. Allele origin: germline. Inheritance: Autosomal dominant inheritance. Observed: 1 variant allele, 1 heterozygote.
Comment: This study involves interpretation of variants in research participants for the purpose of population health screening. Participant phenotype was not available at the time of variant classification. Additional details can be found in publication PMID: 35346344, PMCID: PMC8962531

Color Diagnostics, LLC DBA Color Health
Classification: Likely benign for Tuberous sclerosis syndrome. Last evaluated: 2024-05-21. Review status: criteria provided, single submitter. Criteria: ACMG Guidelines, 2015. Collection method: clinical testing. Allele origin: germline.

Ambry Genetics
Classification: Likely benign for Hereditary cancer-predisposing syndrome. Last evaluated: 2022-12-19. Review status: criteria provided, single submitter. Criteria: Ambry Variant Classification Scheme 2023. Collection method: clinical testing. Allele origin: germline.